The following is an entry in ClinVar:

ClinVar aggregate classification (germline): Uncertain significance. Review status: criteria provided, multiple submitters, no conflicts (2 of 4 stars). 2 submissions from 2 submitters: Uncertain significance (2). Last evaluated 2025-07-11.

Conditions:
SEMA3B-related disorder. Also called: SEMA3B-related condition.

Submissions (2):

PreventionGenetics, part of Exact Sciences
Classification: Uncertain significance for SEMA3B-related condition. Last evaluated: 2025-07-11. Review status: criteria provided, single submitter. Criteria: ACMG Guidelines, 2015. Collection method: clinical testing. Allele origin: germline.
Comment: The SEMA3B c.455C>T variant is predicted to result in the amino acid substitution p.Pro152Leu. To our knowledge, this variant has not been reported in the literature or in a large population database (gnomAD), indicating this variant is rare. At this time, the clinical significance of this variant is uncertain due to the absence of conclusive functional and genetic evidence.

Ambry Genetics
Classification: Uncertain significance. Last evaluated: 2025-04-16. Review status: criteria provided, single submitter. Criteria: Ambry Variant Classification Scheme 2023. Collection method: clinical testing. Allele origin: germline.

NM_001290060.2(SEMA3B):c.455C>T (p.Pro152Leu)

Gene: SEMA3B (semaphorin 3B; plus strand). Cytogenetic location: 3p21.31.
Variant type: single nucleotide variant.
Coding change: c.455C>T on transcript NM_001290060.2 (MANE Select); coding-DNA position 455, C replaced by T.
Protein change: p.Pro152Leu; replaces proline 152 with leucine.
Molecular consequence: missense variant.
Genome position (GRCh38, 1-based): chr3:50,271,092, C>T. VCF-style: chr3-50271092-C-T. GRCh37 (hg19) VCF-style: chr3-50308523-C-T.
Other names: c.455C>T, p.Pro152Leu (NM_001005914.3, NM_001290061.1, NM_004636.4); short protein forms P152L.
Identifiers: ClinVar variation 3952065 (VCV003952065.2).